The following is an entry in ClinVar:

ClinVar aggregate classification (germline): Uncertain significance (1 of 4 stars; one submission).

gnomAD v4.1: 1 of 1,614,144 alleles (0.000062%); highest among the groups gnomAD compares: Non-Finnish European, 0.000085%; no homozygotes.

Submission:

Labcorp Genetics (formerly Invitae), Labcorp
Classification: Uncertain significance. Last evaluated: 2024-11-30. Review status: criteria provided, single submitter. Criteria: Invitae Variant Classification Sherloc (09022015). Collection method: clinical testing. Allele origin: germline.
Comment: This sequence change replaces glutamic acid, which is acidic and polar, with lysine, which is basic and polar, at codon 533 of the MBD4 protein (p.Glu533Lys). This variant is not present in population databases (gnomAD no frequency). This variant has not been reported in the literature in individuals affected with MBD4-related conditions. An algorithm developed to predict the effect of missense changes on protein structure and function (PolyPhen-2) suggests that this variant is likely to be disruptive. In summary, the available evidence is currently insufficient to determine the role of this variant in disease. Therefore, it has been classified as a Variant of Uncertain Significance.

NM_001276270.2(MBD4):c.1579G>A (p.Glu527Lys)

Gene: MBD4 (methyl-CpG binding domain 4, DNA glycosylase; minus strand). Cytogenetic location: 3q21.3.
Variant type: single nucleotide variant.
Coding change: c.1579G>A on transcript NM_001276270.2 (MANE Select); coding-DNA position 1579, G replaced by A.
Protein change: p.Glu527Lys; replaces glutamic acid 527 with lysine.
Molecular consequence: missense variant.
Genome position (GRCh38, 1-based): chr3:129,432,571, C>T on the plus strand (G>A on the coding strand, the complement: MBD4 is on the minus strand). VCF-style: chr3-129432571-C-T. GRCh37 (hg19) VCF-style: chr3-129151414-C-T.
Other names: c.1597G>A, p.Glu533Lys (NM_001276271.2, NM_001276272.2, NM_003925.3); c.643G>A, p.Glu215Lys (NM_001276273.2); short protein forms E527K, E215K, E533K.
Identifiers: ClinVar variation 3724731 (VCV003724731.2).